The following is an entry in ClinVar:

ClinVar aggregate classification (germline): Pathogenic (1 of 4 stars; one submission).

Submission:

GeneDx
Classification: Pathogenic. Last evaluated: 2026-02-28. Review status: criteria provided, single submitter. Criteria: GeneDx Variant Classification Process June 2021. Collection method: clinical testing. Allele origin: germline.
Comment: Identified in a patient with LQTS in published literature (PMID: 36861347); Canonical splice site variant predicted to result in a null allele in a gene for which loss of function is a known mechanism of disease; Not observed at significant frequency in large population cohorts (gnomAD); This variant is associated with the following publications: (PMID: 31737537, 36861347)

NM_000238.4(KCNH2):c.2145+1G>T

Gene: KCNH2 (potassium voltage-gated channel subfamily H member 2; minus strand). Cytogenetic location: 7q36.1.
Variant type: single nucleotide variant.
Coding change: c.2145+1G>T on transcript NM_000238.4 (MANE Select); the canonical splice donor site of the intron after coding-DNA position 2145, G replaced by T.
Molecular consequence: splice donor variant.
Genome position (GRCh38, 1-based): chr7:150,950,920, C>A on the plus strand (G>T on the coding strand, the complement: KCNH2 is on the minus strand). VCF-style: chr7-150950920-C-A. GRCh37 (hg19) VCF-style: chr7-150648008-C-A.
Other names: c.1857+1G>T (NM_001406753.1, NM_001406756.1); c.1125+1G>T (NM_172057.3, NM_001204798.2); c.2145+1G>T (NM_172056.3); c.1968+1G>T (NM_001406755.1); c.1845+1G>T (NM_001406757.1).
Identifiers: ClinVar variation 4891501 (VCV004891501.1).
Genomic context (GRCh38, chr7:150,950,920, plus strand): 5'-CCCCTCTGCCACCCCACTCTTCCCAGCCTGCCACCCACTGGCCACGCTCTGGTGGCCTCA[C>A]CGCGTTCATGTCGATGCCGTTGGTGTAGGACCAGGCGTGCTGGAAGTACTCCTCGAGGCG-3'